The following is an entry in ClinVar:

NM_013366.4(ANAPC2):c.1992G>A (p.Ala664=)

Gene: ANAPC2 (anaphase promoting complex subunit 2; minus strand). Cytogenetic location: 9q34.3.
Variant type: single nucleotide variant.
Coding change: c.1992G>A on transcript NM_013366.4 (MANE Select); coding-DNA position 1992, G replaced by A.
Protein change: p.Ala664=; no amino-acid change (alanine 664 retained).
Molecular consequence: synonymous variant.
Genome position (GRCh38, 1-based): chr9:137,175,736, C>T on the plus strand (G>A on the coding strand, the complement: ANAPC2 is on the minus strand). VCF-style: chr9-137175736-C-T. GRCh37 (hg19) VCF-style: chr9-140070188-C-T.
Identifiers: ClinVar variation 787588 (VCV000787588.29), dbSNP rs41317010, ClinGen allele CA5361644.
Genomic context (GRCh38, chr9:137,175,736, plus strand): 5'-GGGGCAGGCCAGCTAGGGGCTGGTGGGCTCACCTTGGTCCTGAAAATACAGCAAGATCAC[C>T]GCCTGTACTGGGGTGACCGCCACAGACAGCGTGCGGTCGGCCAGCTCCACGTCCATGGTC-3'
Protein context (NP_037498.1, residues 654-674): TLSVAVTPVQ[Ala664=]VILLYFQDQA

ClinVar aggregate classification (germline): Benign/Likely benign. Review status: criteria provided, multiple submitters, no conflicts (2 of 4 stars). 3 submissions from 3 submitters: Benign (2); Likely benign (1). Last evaluated 2022-08-01.

Allele frequency attached by ClinVar (database versions not stated): 1000 Genomes Project 0.00040; 1000 Genomes Project 30x 0.00062; gnomAD exomes 0.00177; ExAC 0.00190; gnomAD 0.00241 and 0.00247; TOPMed 0.00276; ESP Exome Variant Server 0.00285.
gnomAD v4.1: 4,441 of 1,612,072 alleles (0.28%); highest among the groups gnomAD compares: Non-Finnish European, 0.32%; 13 homozygotes.

Submissions (3):

CeGaT Center for Human Genetics Tuebingen
Classification: Likely benign. Last evaluated: 2022-08-01. Review status: criteria provided, single submitter. Criteria: CeGaT Center For Human Genetics Tuebingen Variant Classification Criteria Version 2. Collection method: clinical testing. Allele origin: germline. Affected: yes. Observed: 1 variant allele.
Comment: ANAPC2: BP4, BP7

Labcorp Genetics (formerly Invitae), Labcorp
Classification: Benign. Last evaluated: 2019-12-31. Review status: criteria provided, single submitter. Criteria: Invitae Variant Classification Sherloc (09022015). Collection method: clinical testing. Allele origin: germline.

Breakthrough Genomics
Classification: Benign. Review status: criteria provided, single submitter. Criteria: ACMG Guidelines, 2015. Collection method: not provided. Allele origin: germline. Inheritance: Unknown mechanism. Affected: yes.